The following is an entry in ClinVar:

ClinVar aggregate classification (germline): Uncertain significance. Review status: criteria provided, multiple submitters, no conflicts (2 of 4 stars). 3 submissions from 3 submitters: Uncertain significance (3). Last evaluated 2026-06-24.

Conditions:
Rhabdoid tumor predisposition syndrome 2 (RTPS2). Identifiers: Orphanet 231108, Orphanet 69077, MedGen C2750074, MONDO:0013224, OMIM 613325.
Hereditary cancer-predisposing syndrome. Also called: Tumor predisposition; Neoplastic Syndromes, Hereditary; Hereditary neoplastic syndrome; Hereditary Cancer Syndrome. Identifiers: Orphanet 140162, MedGen C0027672, MeSH D009386, MONDO:0015356.

Allele frequency attached by ClinVar (database versions not stated): gnomAD exomes below 0.00001.

Submissions (3):

GeneDx
Classification: Uncertain significance. Last evaluated: 2026-06-24. Review status: criteria provided, single submitter. Criteria: GeneDx Variant Classification Process June 2021. Collection method: clinical testing. Allele origin: germline.
Comment: Not observed at significant frequency in large population cohorts (gnomAD); In silico analysis supports that this missense variant has a deleterious effect on protein structure/function; Has not been previously published as pathogenic or benign to our knowledge

Labcorp Genetics (formerly Invitae), Labcorp
Classification: Uncertain significance for Rhabdoid tumor predisposition syndrome 2. Last evaluated: 2025-12-23. Review status: criteria provided, single submitter. Criteria: Invitae Variant Classification Sherloc (09022015). Collection method: clinical testing. Allele origin: germline.
Comment: This sequence change replaces methionine, which is neutral and non-polar, with valine, which is neutral and non-polar, at codon 1319 of the SMARCA4 protein (p.Met1319Val). This variant is not present in population databases (gnomAD no frequency). This variant has not been reported in the literature in individuals affected with SMARCA4-related conditions. ClinVar contains an entry for this variant (Variation ID: 1009133). Invitae Evidence Modeling of protein sequence and biophysical properties (such as structural, functional, and spatial information, amino acid conservation, physicochemical variation, residue mobility, and thermodynamic stability) indicates that this missense variant is expected to disrupt SMARCA4 protein function with a positive predictive value of 95%. In summary, the available evidence is currently insufficient to determine the role of this variant in disease. Therefore, it has been classified as a Variant of Uncertain Significance.

Ambry Genetics
Classification: Uncertain significance for Hereditary cancer-predisposing syndrome. Last evaluated: 2024-07-11. Review status: criteria provided, single submitter. Criteria: Ambry Variant Classification Scheme 2023. Collection method: clinical testing. Allele origin: germline.
Comment: The p.M1319V variant (also known as c.3955A>G), located in coding exon 28 of the SMARCA4 gene, results from an A to G substitution at nucleotide position 3955. The methionine at codon 1319 is replaced by valine, an amino acid with highly similar properties. This amino acid position is highly conserved in available vertebrate species. In addition, this alteration is predicted to be deleterious by in silico analysis. Based on the available evidence, the clinical significance of this variant remains unclear.

NM_003072.5(SMARCA4):c.3955A>G (p.Met1319Val)

Gene: SMARCA4 (SWI/SNF related BAF chromatin remodeling complex subunit ATPase 4; plus strand). Cytogenetic location: 19p13.2.
Variant type: single nucleotide variant.
Coding change: c.3955A>G on transcript NM_003072.5 (MANE Select); coding-DNA position 3955, A replaced by G.
Protein change: p.Met1319Val; replaces methionine 1319 with valine.
Molecular consequence: missense variant. On other transcripts: non-coding transcript variant (1).
Genome position (GRCh38, 1-based): chr19:11,034,917, A>G. VCF-style: chr19-11034917-A-G. GRCh37 (hg19) VCF-style: chr19-11145593-A-G.
Other names: c.3856A>G, p.Met1286Val (NM_001374457.1, NM_001128845.2, NM_001128846.2 and 2 more transcripts); c.3955A>G, p.Met1319Val (NM_001128844.3, NM_001128849.3); short protein forms M1286V, M1319V.
Identifiers: ClinVar variation 1009133 (VCV001009133.14), dbSNP rs2075174627, ClinGen allele CA404067986.